The following is an entry in ClinVar:

NM_004628.5(XPC):c.2047_2048del (p.Thr683fs)

Gene: XPC (XPC complex subunit, DNA damage recognition and repair factor; minus strand). Cytogenetic location: 3p25.1.
Variant type: Microsatellite.
Coding change: c.2047_2048del on transcript NM_004628.5 (MANE Select); coding-DNA positions 2047 to 2048, 2 bases deleted (AC; older notation c.2047_2048delAC).
Protein change: p.Thr683fs; shifts the reading frame from threonine 683.
Molecular consequence: frameshift variant. On other transcripts: non-coding transcript variant (2).
Genome position (GRCh38, 1-based): chr3:14,152,402-14,152,403, GT deleted on the plus strand (AC on the coding strand, the reverse complement: XPC is on the minus strand); deleting any 2 consecutive bases within chr3:14,152,402-14,152,406 gives the same sequence; the c. name uses the placement nearest the transcript's 3' end. VCF-style (leftmost placement, unchanged base first): chr3-14152401-AGT-A. GRCh37 (hg19) VCF-style: chr3-14193901-AGT-A.
Other names: c.1468_1469del, p.Thr490fs (NM_001354726.2); c.2041_2042del, p.Thr681fs (NM_001354727.2); c.2029_2030del, p.Thr677fs (NM_001354729.2); c.1801_1802del, p.Thr601fs (NM_001354730.2); short protein forms T490fs, T601fs, T677fs, T681fs, T683fs.
Identifiers: ClinVar variation 2679650 (VCV002679650.4), dbSNP rs1574954584, ClinGen allele CA916838641.

ClinVar aggregate classification (germline): Pathogenic/Likely pathogenic. Review status: criteria provided, multiple submitters, no conflicts (2 of 4 stars). 2 submissions from 2 submitters: Pathogenic (1); Likely pathogenic (1). Last evaluated 2023-04-22.

Conditions:
Xeroderma pigmentosum, group C (XPC). Also called: XPC-Related Xeroderma Pigmentosum; Xeroderma pigmentosum, complementation group C; XERODERMA PIGMENTOSUM III; XP, GROUP C. Identifiers: Orphanet 910, MedGen C2752147, MONDO:0010211, OMIM 278720.

Submissions (2):

Labcorp Genetics (formerly Invitae), Labcorp
Classification: Pathogenic. Last evaluated: 2023-04-22. Review status: criteria provided, single submitter. Criteria: Invitae Variant Classification Sherloc (09022015). Collection method: clinical testing. Allele origin: germline.
Comment: This sequence change creates a premature translational stop signal (p.Thr683Serfs*29) in the XPC gene. It is expected to result in an absent or disrupted protein product. Loss-of-function variants in XPC are known to be pathogenic (PMID: 23173980, 25256075). This variant is not present in population databases (gnomAD no frequency). This variant has not been reported in the literature in individuals affected with XPC-related conditions. For these reasons, this variant has been classified as Pathogenic.

Baylor Genetics
Classification: Likely pathogenic for Xeroderma pigmentosum, group C. Last evaluated: 2023-04-18. Review status: criteria provided, single submitter. Criteria: ACMG Guidelines, 2015. Collection method: clinical testing. Allele origin: unknown.

Literature cited by the submitters: PubMed 23173980 (cited by Labcorp Genetics (formerly Invitae), Labcorp); PubMed 25256075 (cited by Labcorp Genetics (formerly Invitae), Labcorp).